The following is an entry in ClinVar:

NM_173630.4(RTTN):c.3764C>T (p.Pro1255Leu)

Gene: RTTN (rotatin; minus strand). Cytogenetic location: 18q22.2.
Variant type: single nucleotide variant.
Coding change: c.3764C>T on transcript NM_173630.4 (MANE Select); coding-DNA position 3764, C replaced by T.
Protein change: p.Pro1255Leu; replaces proline 1255 with leucine.
Molecular consequence: missense variant.
Genome position (GRCh38, 1-based): chr18:70,109,637, G>A on the plus strand (C>T on the coding strand, the complement: RTTN is on the minus strand). VCF-style: chr18-70109637-G-A. GRCh37 (hg19) VCF-style: chr18-67776873-G-A.
Other names: c.1028C>T, p.Pro343Leu (NM_001318520.2); short protein forms P1255L, P343L.
Identifiers: ClinVar variation 1992166 (VCV001992166.3), dbSNP rs761572118, ClinGen allele CA8995498.

ClinVar aggregate classification (germline): Uncertain significance. Review status: criteria provided, multiple submitters, no conflicts (2 of 4 stars). 2 submissions from 2 submitters: Uncertain significance (2). Last evaluated 2024-10-11.

Allele frequency attached by ClinVar (database versions not stated): TOPMed 0.00001; ExAC 0.00002; gnomAD exomes 0.00002; gnomAD 0.00003.
gnomAD v4.1: 37 of 1,613,942 alleles (0.0023%); highest among the groups gnomAD compares: Middle Eastern, 0.033%; no homozygotes.

Submissions (2):

Blueprint Genetics
Classification: Uncertain significance. Last evaluated: 2024-10-11. Review status: criteria provided, single submitter. Criteria: ACMG Guidelines, 2015. Collection method: clinical testing. Allele origin: germline.

Labcorp Genetics (formerly Invitae), Labcorp
Classification: Uncertain significance. Last evaluated: 2023-10-13. Review status: criteria provided, single submitter. Criteria: Invitae Variant Classification Sherloc (09022015). Collection method: clinical testing. Allele origin: germline.
Comment: This sequence change replaces proline, which is neutral and non-polar, with leucine, which is neutral and non-polar, at codon 1255 of the RTTN protein (p.Pro1255Leu). This variant is present in population databases (rs761572118, gnomAD 0.009%). This variant has not been reported in the literature in individuals affected with RTTN-related conditions. ClinVar contains an entry for this variant (Variation ID: 1992166). Advanced modeling of protein sequence and biophysical properties (such as structural, functional, and spatial information, amino acid conservation, physicochemical variation, residue mobility, and thermodynamic stability) performed at Invitae indicates that this missense variant is expected to disrupt RTTN protein function. In summary, the available evidence is currently insufficient to determine the role of this variant in disease. Therefore, it has been classified as a Variant of Uncertain Significance.